The following is an entry in ClinVar:

NM_000530.8(MPZ):c.308G>C (p.Gly103Ala)

Gene: MPZ (myelin protein zero; minus strand). Cytogenetic location: 1q23.3.
Variant type: single nucleotide variant.
Coding change: c.308G>C on transcript NM_000530.8 (MANE Select); coding-DNA position 308, G replaced by C.
Protein change: p.Gly103Ala; replaces glycine 103 with alanine.
Molecular consequence: missense variant.
Genome position (GRCh38, 1-based): chr1:161,306,848, C>G on the plus strand (G>C on the coding strand, the complement: MPZ is on the minus strand). VCF-style: chr1-161306848-C-G. GRCh37 (hg19) VCF-style: chr1-161276638-C-G.
Other names: c.308G>C, p.Gly103Ala (NM_001315491.2); short protein forms G103A.
Identifiers: ClinVar variation 3609112 (VCV003609112.2).

ClinVar aggregate classification (germline): Uncertain significance (1 of 4 stars; one submission).

Conditions:
Charcot-Marie-Tooth disease, type I (CMT1). Also called: Charcot-Marie-Tooth, Type 1; Charcot-Marie-Tooth disease type 1. Identifiers: Orphanet 65753, MedGen C0751036, MONDO:0019011.

Submission:

Labcorp Genetics (formerly Invitae), Labcorp
Classification: Uncertain significance for Charcot-Marie-Tooth disease, type I. Last evaluated: 2025-11-22. Review status: criteria provided, single submitter. Criteria: Invitae Variant Classification Sherloc (09022015). Collection method: clinical testing. Allele origin: germline.
Comment: This sequence change replaces glycine, which is neutral and non-polar, with alanine, which is neutral and non-polar, at codon 103 of the MPZ protein (p.Gly103Ala). This variant is not present in population databases (gnomAD no frequency). This missense change has been observed in individual(s) with Charcot-Marie-Tooth disease (PMID: 30076350, 35873478). ClinVar contains an entry for this variant (Variation ID: 3609112). Invitae Evidence Modeling of protein sequence and biophysical properties (such as structural, functional, and spatial information, amino acid conservation, physicochemical variation, residue mobility, and thermodynamic stability) indicates that this missense variant is expected to disrupt MPZ protein function with a positive predictive value of 80%. This variant disrupts the p.Gly103 amino acid residue in MPZ. Other variant(s) that disrupt this residue have been determined to be pathogenic (PMID: 11445635). This suggests that this residue is clinically significant, and that variants that disrupt this residue are likely to be disease-causing. In summary, the available evidence is currently insufficient to determine the role of this variant in disease. Therefore, it has been classified as a Variant of Uncertain Significance.

Literature cited by the submitters: PubMed 30076350; PubMed 35873478; PubMed 11445635.